The following is an entry in ClinVar:

ClinVar aggregate classification (germline): Likely benign (0 of 4 stars; one submission).

Conditions:
GADD45G-related disorder. Also called: GADD45G-related condition.

Submission:

PreventionGenetics, part of Exact Sciences
Classification: Likely benign for GADD45G-related condition. Last evaluated: 2019-12-24. Review status: no assertion criteria provided. Collection method: clinical testing. Allele origin: germline.
Comment: This variant is classified as likely benign based on ACMG/AMP sequence variant interpretation guidelines (Richards et al. 2015 PMID: 25741868, with internal and published modifications).

NM_006705.4(GADD45G):c.370-14CT[3]

Gene: GADD45G (growth arrest and DNA damage inducible gamma; plus strand). Cytogenetic location: 9q22.2.
Variant type: Microsatellite.
Coding change: c.370-14CT[3] on transcript NM_006705.4 (MANE Select); three copies in a row of the 2-base unit CT starting at c.370-14.
Molecular consequence: intron variant.
Genome position: GRCh38 VCF-style: chr9-89605954-GCT-G. GRCh37 (hg19) VCF-style: chr9-92220869-GCT-G.
Identifiers: ClinVar variation 3039485 (VCV003039485.2), dbSNP rs758352700, ClinGen allele CA5118966.